The following is an entry in ClinVar:

NM_152703.5(SAMD9L):c.454A>G (p.Lys152Glu)

Gene: SAMD9L (sterile alpha motif domain containing 9 like; minus strand). Cytogenetic location: 7q21.2.
Variant type: single nucleotide variant.
Coding change: c.454A>G on transcript NM_152703.5 (MANE Select); coding-DNA position 454, A replaced by G.
Protein change: p.Lys152Glu; replaces lysine 152 with glutamic acid.
Molecular consequence: missense variant.
Genome position (GRCh38, 1-based): chr7:93,135,518, T>C on the plus strand (A>G on the coding strand, the complement: SAMD9L is on the minus strand). VCF-style: chr7-93135518-T-C. GRCh37 (hg19) VCF-style: chr7-92764831-T-C.
Other names: c.454A>G, p.Lys152Glu (NM_001303496.3, NM_001303497.3, NM_001303498.3 and 5 more transcripts); short protein forms K152E.
Identifiers: ClinVar variation 4841990 (VCV004841990.1).

ClinVar aggregate classification (germline): Uncertain significance (1 of 4 stars; one submission).

Conditions:
Inborn genetic diseases. Identifiers: MedGen C0950123, MeSH D030342.

Submission:

Ambry Genetics
Classification: Uncertain significance for Inborn genetic diseases. Last evaluated: 2025-12-15. Review status: criteria provided, single submitter. Criteria: Ambry Variant Classification Scheme 2023. Collection method: clinical testing. Allele origin: germline.
Comment: The p.K152E variant (also known as c.454A>G), located in coding exon 1 of the SAMD9L gene, results from an A to G substitution at nucleotide position 454. The lysine at codon 152 is replaced by glutamic acid, an amino acid with similar properties. This amino acid position is conserved. In addition, this alteration is predicted to be tolerated by in silico analysis. Based on the available evidence, the clinical significance of this variant remains unclear.